The following is an entry in ClinVar:

NM_001010874.5(TECRL):c.371T>C (p.Ile124Thr)

Gene: TECRL (trans-2,3-enoyl-CoA reductase like; minus strand). Cytogenetic location: 4q13.1.
Variant type: single nucleotide variant.
Coding change: c.371T>C on transcript NM_001010874.5 (MANE Select); coding-DNA position 371, T replaced by C.
Protein change: p.Ile124Thr; replaces isoleucine 124 with threonine.
Molecular consequence: missense variant.
Genome position (GRCh38, 1-based): chr4:64,322,753, A>G on the plus strand (T>C on the coding strand, the complement: TECRL is on the minus strand). VCF-style: chr4-64322753-A-G. GRCh37 (hg19) VCF-style: chr4-65188471-A-G.
Other names: c.371T>C, p.Ile124Thr (NM_001363796.1); short protein forms I124T.
Identifiers: ClinVar variation 3232341 (VCV003232341.1), dbSNP rs1381150700, ClinGen allele CA357144811.
Genomic context (GRCh38, chr4:64,322,753, plus strand): 5'-GTCCAACTGACTTGTTGACCTAGGTCTGTAGCATACAGTGTGACAATGGAGGAAGCTGCA[A>G]TACTTTGAATGGTAATGTAGTCCTTCAAAAAAGGCCCGCCTAAAATAAAAATAACAAGAA-3'
Protein context (NP_001010874.2, residues 114-134): FLKDYITIQS[Ile124Thr]AASSIVTLYA

ClinVar aggregate classification (germline): Uncertain significance (1 of 4 stars; one submission).

Conditions:
Cardiovascular phenotype. Identifiers: MedGen CN230736.

Allele frequency attached by ClinVar (database versions not stated): gnomAD exomes below 0.00001; gnomAD 0.00001.
gnomAD v4.1: 2 of 1,612,272 alleles (0.00012%); highest among the groups gnomAD compares: African/African-American, 0.0013%; no homozygotes.

Submission:

Ambry Genetics
Classification: Uncertain significance for Cardiovascular phenotype. Last evaluated: 2024-01-01. Review status: criteria provided, single submitter. Criteria: Ambry Variant Classification Scheme 2023. Collection method: clinical testing. Allele origin: germline.
Comment: The p.I124T variant (also known as c.371T>C), located in coding exon 4 of the TECRL gene, results from a T to C substitution at nucleotide position 371. The isoleucine at codon 124 is replaced by threonine, an amino acid with similar properties. This amino acid position is conserved. In addition, this alteration is predicted to be tolerated by in silico analysis. Since supporting evidence is limited at this time, the clinical significance of this alteration remains unclear.